The following is an entry in ClinVar:

NM_022739.4(SMURF2):c.2036_2038delinsGCA (p.Ser679Cys)

Gene: SMURF2 (SMAD specific E3 ubiquitin protein ligase 2; minus strand). Cytogenetic location: 17q23.3.
Variant type: Indel.
Coding change: c.2036_2038delinsGCA on transcript NM_022739.4 (MANE Select); coding-DNA positions 2036 to 2038, CTC replaced by GCA.
Protein change: p.Ser679Cys; replaces serine 679 with cysteine.
Molecular consequence: missense variant.
Genome position (GRCh38, 1-based): chr17:64,547,633-64,547,635, GAG replaced by TGC on the plus strand (CTC replaced by GCA on the coding strand, the reverse complement: SMURF2 is on the minus strand). VCF-style: chr17-64547633-GAG-TGC. GRCh37 (hg19) VCF-style: chr17-62543751-GAG-TGC.
Other names: short protein forms S679C.
Identifiers: ClinVar variation 4993125 (VCV004993125.1).

ClinVar aggregate classification (germline): Uncertain significance (1 of 4 stars; one submission).

Conditions:
SMURF2-related disorder. Also called: SMURF2-related condition.

Submission:

PreventionGenetics, part of Exact Sciences
Classification: Uncertain significance for SMURF2-related condition. Last evaluated: 2025-12-08. Review status: criteria provided, single submitter. Criteria: ACMG Guidelines, 2015. Collection method: clinical testing. Allele origin: germline.
Comment: The SMURF2 c.2036_2038delinsGCA variant is predicted to result in an in-frame deletion and insertion. To our knowledge, this variant has not been reported in the literature or in a large population database (gnomAD), indicating this variant is rare. At this time, the clinical significance of this variant is uncertain due to the absence of conclusive functional and genetic evidence.